The following is an entry in ClinVar:

NM_000284.4(PDHA1):c.956_959dup (p.Lys321fs)

Gene: PDHA1 (pyruvate dehydrogenase E1 subunit alpha 1; plus strand). Cytogenetic location: Xp22.12.
Variant type: Duplication.
Coding change: c.956_959dup on transcript NM_000284.4 (MANE Select); coding-DNA positions 956 to 959, 4 bases duplicated (TTCT; older notation c.956_959dupTTCT).
Protein change: p.Lys321fs; shifts the reading frame from lysine 321.
Molecular consequence: frameshift variant.
Genome position (GRCh38, 1-based): chrX:19,358,972-19,358,975, TTCT duplicated. VCF-style (leftmost placement, unchanged base first): chrX-19358971-C-CTTCT. GRCh37 (hg19) VCF-style: chrX-19377089-C-CTTCT.
Other names: c.1070_1073dup, p.Lys359fs (NM_001173454.2); c.977_980dup, p.Lys328fs (NM_001173455.2); c.863_866dup, p.Lys290fs (NM_001173456.2); short protein forms K328fs, K359fs, K290fs, K321fs.
Identifiers: ClinVar variation 2092211 (VCV002092211.4), dbSNP rs2518505616, ClinGen allele CA2580100426.

ClinVar aggregate classification (germline): Pathogenic (1 of 4 stars; one submission).

Conditions:
Pyruvate dehydrogenase E1-alpha deficiency (PDHAD). Also called: ATAXIA WITH LACTIC ACIDOSIS I; ATAXIA, INTERMITTENT, WITH ABNORMAL PYRUVATE METABOLISM; Ataxia, intermittent, with pyruvate dehydrogenase, or decarboxylase, deficiency; ATAXIA, INTERMITTENT, WITH PYRUVATE DEHYDROGENASE DEFICIENCY. Identifiers: Orphanet 79243, MedGen C1839413, MONDO:0010717, OMIM 312170.

Submission:

Labcorp Genetics (formerly Invitae), Labcorp
Classification: Pathogenic for Pyruvate dehydrogenase E1-alpha deficiency. Last evaluated: 2022-02-03. Review status: criteria provided, single submitter. Criteria: Invitae Variant Classification Sherloc (09022015). Collection method: clinical testing. Allele origin: germline.
Comment: This variant is not present in population databases (gnomAD no frequency). This sequence change creates a premature translational stop signal (p.Lys321Serfs*20) in the PDHA1 gene. While this is not anticipated to result in nonsense mediated decay, it is expected to disrupt the last 70 amino acid(s) of the PDHA1 protein. This variant has not been reported in the literature in individuals affected with PDHA1-related conditions. For these reasons, this variant has been classified as Pathogenic. This variant disrupts a region of the PDHA1 protein in which other variant(s) (p.Ser388*) have been determined to be pathogenic (PMID: 7981697, 21846590, 21914562, 29756269). This suggests that this is a clinically significant region of the protein, and that variants that disrupt it are likely to be disease-causing.

Literature cited by the submitters: PubMed 7981697; PubMed 21846590; PubMed 21914562; PubMed 29756269.